The following is an entry in ClinVar:

ClinVar aggregate classification (germline): Likely pathogenic (1 of 4 stars; one submission).

Submission:

CeGaT Center for Human Genetics Tuebingen
Classification: Likely pathogenic. Last evaluated: 2024-08-01. Review status: criteria provided, single submitter. Criteria: CeGaT Center For Human Genetics Tuebingen Variant Classification Criteria Version 2. Collection method: clinical testing. Allele origin: germline. Affected: yes. Observed: 1 variant allele.
Comment: GRIA3: PVS1:Strong, PM2

NM_007325.5(GRIA3):c.2077-1G>C

Gene: GRIA3 (glutamate ionotropic receptor AMPA type subunit 3; plus strand). Cytogenetic location: Xq25.
Variant type: single nucleotide variant.
Coding change: c.2077-1G>C on transcript NM_007325.5 (MANE Select); the canonical splice acceptor site of the intron before coding-DNA position 2077, G replaced by C.
Molecular consequence: splice acceptor variant.
Genome position (GRCh38, 1-based): chrX:123,464,864, G>C. VCF-style: chrX-123464864-G-C. GRCh37 (hg19) VCF-style: chrX-122598715-G-C.
Other names: c.2077-1G>C (NM_000828.5).
Identifiers: ClinVar variation 3342162 (VCV003342162.16).